The following is an entry in ClinVar:

ClinVar aggregate classification (germline): Conflicting classifications of pathogenicity. Review status: criteria provided, conflicting classifications (1 of 4 stars). 3 submissions from 3 submitters: Uncertain significance (2); Likely benign (1). Last evaluated 2026-07-01.

Allele frequency attached by ClinVar (database versions not stated): TOPMed below 0.00001.
gnomAD v4.1: 6 of 1,532,778 alleles (0.00039%); highest among the groups gnomAD compares: Admixed American, 0.002%; no homozygotes.

Submissions (3):

CeGaT Center for Human Genetics Tuebingen
Classification: Likely benign. Last evaluated: 2026-07-01. Review status: criteria provided, single submitter. Criteria: CeGaT Center For Human Genetics Tuebingen Variant Classification Criteria Version 2. Collection method: clinical testing. Allele origin: germline. Affected: yes. Observed: 1 variant allele.
Comment: CDK13: BS2

Labcorp Genetics (formerly Invitae), Labcorp
Classification: Uncertain significance. Last evaluated: 2025-02-03. Review status: criteria provided, single submitter. Criteria: Invitae Variant Classification Sherloc (09022015). Collection method: clinical testing. Allele origin: germline.
Comment: This sequence change replaces threonine, which is neutral and polar, with alanine, which is neutral and non-polar, at codon 264 of the CDK13 protein (p.Thr264Ala). The frequency data for this variant in the population databases is considered unreliable, as metrics indicate poor data quality at this position in the gnomAD database. This variant has not been reported in the literature in individuals affected with CDK13-related conditions. ClinVar contains an entry for this variant (Variation ID: 1690831). Invitae Evidence Modeling of protein sequence and biophysical properties (such as structural, functional, and spatial information, amino acid conservation, physicochemical variation, residue mobility, and thermodynamic stability) indicates that this missense variant is not expected to disrupt CDK13 protein function with a negative predictive value of 95%. In summary, the available evidence is currently insufficient to determine the role of this variant in disease. Therefore, it has been classified as a Variant of Uncertain Significance.

Laboratorio de Genetica e Diagnostico Molecular, Hospital Israelita Albert Einstein
Classification: Uncertain significance. Last evaluated: 2020-03-02. Review status: criteria provided, single submitter. Criteria: ACMG Guidelines, 2015. Collection method: clinical testing. Allele origin: germline. Affected: yes.
Comment: ACMG classification criteria: PM2, BP4

NM_003718.5(CDK13):c.790A>G (p.Thr264Ala)

Gene: CDK13 (cyclin dependent kinase 13; plus strand). Cytogenetic location: 7p14.1.
Variant type: single nucleotide variant.
Coding change: c.790A>G on transcript NM_003718.5 (MANE Select); coding-DNA position 790, A replaced by G.
Protein change: p.Thr264Ala; replaces threonine 264 with alanine.
Molecular consequence: missense variant.
Genome position (GRCh38, 1-based): chr7:39,951,431, A>G. VCF-style: chr7-39951431-A-G. GRCh37 (hg19) VCF-style: chr7-39991030-A-G.
Other names: c.790A>G, p.Thr264Ala (NM_031267.4); short protein forms T264A.
Identifiers: ClinVar variation 1690831 (VCV001690831.6), dbSNP rs763368419, ClinGen allele CA4228332.